The following is an entry in ClinVar:

ClinVar aggregate classification (germline): Conflicting classifications of pathogenicity. Review status: criteria provided, conflicting classifications (1 of 4 stars). 2 submissions from 2 submitters: Uncertain significance (1); Likely benign (1). Last evaluated 2025-09-08.

Conditions:
Intellectual disability, CASK-related, X-linked. Identifiers: MedGen CN043158.

Allele frequency attached by ClinVar (database versions not stated): TOPMed below 0.00001; ExAC 0.00001; gnomAD 0.00001; gnomAD exomes 0.00001.
gnomAD v4.1: 1 of 1,207,940 alleles (0.000083%); highest among the groups gnomAD compares: Non-Finnish European, 0.00011%; no homozygotes.

Submissions (2):

Labcorp Genetics (formerly Invitae), Labcorp
Classification: Likely benign for Intellectual disability, CASK-related, X-linked. Last evaluated: 2025-09-08. Review status: criteria provided, single submitter. Criteria: Invitae Variant Classification Sherloc (09022015). Collection method: clinical testing. Allele origin: germline.

GeneDx
Classification: Uncertain significance. Last evaluated: 2019-11-01. Review status: criteria provided, single submitter. Criteria: GeneDx Variant Classification Process June 2021. Collection method: clinical testing. Allele origin: germline. Affected: yes.
Comment: In silico analysis, which includes protein predictors and evolutionary conservation, supports a deleterious effect; Has not been previously published as pathogenic or benign to our knowledge

NM_001367721.1(CASK):c.2390T>C (p.Met797Thr)

Gene: CASK (calcium/calmodulin dependent serine protein kinase; minus strand). Cytogenetic location: Xp11.4.
Variant type: single nucleotide variant.
Coding change: c.2390T>C on transcript NM_001367721.1 (MANE Select); coding-DNA position 2390, T replaced by C.
Protein change: p.Met797Thr; replaces methionine 797 with threonine.
Molecular consequence: missense variant.
Genome position (GRCh38, 1-based): chrX:41,531,137, A>G on the plus strand (T>C on the coding strand, the complement: CASK is on the minus strand). VCF-style: chrX-41531137-A-G. GRCh37 (hg19) VCF-style: chrX-41390390-A-G.
Other names: c.2306T>C, p.Met769Thr (NM_001126054.3); c.2303T>C, p.Met768Thr (NM_001126055.3); c.2372T>C, p.Met791Thr (NM_001410745.1); c.2375T>C, p.Met792Thr (NM_003688.4); short protein forms M768T, M769T, M792T, M797T, M791T.
Identifiers: ClinVar variation 1309843 (VCV001309843.3), dbSNP rs771473384, ClinGen allele CA10390029.